The following is an entry in ClinVar:

NM_198282.4(STING1):c.947-86G>A

Gene: STING1 (stimulator of interferon response cGAMP interactor 1; minus strand). Cytogenetic location: 5q31.2.
Variant type: single nucleotide variant.
Coding change: c.947-86G>A on transcript NM_198282.4 (MANE Select); 86 bases into the intron before coding-DNA position 947, G replaced by A.
Molecular consequence: intron variant.
Genome position (GRCh38, 1-based): chr5:139,476,540, C>T on the plus strand (G>A on the coding strand, the complement: STING1 is on the minus strand). VCF-style: chr5-139476540-C-T. GRCh37 (hg19) VCF-style: chr5-138856125-C-T.
Other names: c.590-86G>A (NM_001367258.1); c.760-86G>A (NM_001301738.2).
Identifiers: ClinVar variation 2688481 (VCV002688481.2), dbSNP rs185552744, ClinGen allele CA128747812.

ClinVar aggregate classification (germline): Benign (1 of 4 stars; one submission).

Allele frequency attached by ClinVar (database versions not stated): 1000 Genomes Project 30x 0.01280; TOPMed 0.01368; gnomAD 0.00694; 1000 Genomes Project 0.01218.
gnomAD v4.1: 4,937 of 1,202,896 alleles (0.41%); highest among the groups gnomAD compares: Admixed American, 9.9%; 298 homozygotes.

Submission:

Unidad de Genómica Garrahan, Hospital de Pediatría Garrahan
Classification: Benign. Last evaluated: 2024-01-24. Review status: criteria provided, single submitter. Criteria: ACMG Guidelines, 2015. Collection method: clinical testing. Allele origin: germline. Affected: no. Observed: 22 variant alleles.
Comment: This variant is classified as Benign based on local population frequency. This variant was detected in 25% of patients studied by a panel of primary immunodeficiencies. Number of patients: 22. Only high quality variants are reported.